The following is an entry in ClinVar:

NM_015631.6(TCTN3):c.630T>C (p.Ala210=)

Gene: TCTN3 (tectonic family member 3; minus strand). Cytogenetic location: 10q24.1.
Variant type: single nucleotide variant.
Coding change: c.630T>C on transcript NM_015631.6 (MANE Select); coding-DNA position 630, T replaced by C.
Protein change: p.Ala210=; no amino-acid change (alanine 210 retained).
Molecular consequence: synonymous variant. On other transcripts: intron variant (1).
Genome position (GRCh38, 1-based): chr10:95,687,353, A>G on the plus strand (T>C on the coding strand, the complement: TCTN3 is on the minus strand). VCF-style: chr10-95687353-A-G. GRCh37 (hg19) VCF-style: chr10-97447110-A-G.
Other names: c.500-194T>C (NM_001143973.2).
Identifiers: ClinVar variation 130578 (VCV000130578.47), dbSNP rs41299157, ClinGen allele CA248708.

ClinVar aggregate classification (germline): Benign/Likely benign. Review status: criteria provided, multiple submitters, no conflicts (2 of 4 stars). 10 submissions from 10 submitters: Benign (6); Likely benign (1). 3 of the submissions do not count toward it. Last evaluated 2026-08-01.

Conditions:
Joubert syndrome 18 (JBTS18). Identifiers: Orphanet 2754, MedGen C3553758, MONDO:0013896, OMIM 614815.
Orofacial-digital syndrome IV (OFD4). Also called: OFD SYNDROME WITH TIBIAL DEFECTS; OFD SYNDROME, BARAITSER-BURN TYPE; OFDS IV; BARAITSER-BURN SYNDROME; ORAL-FACIAL-DIGITAL SYNDROME, TYPE IV; Orofaciodigital syndrome IV. Identifiers: Orphanet 2753, MedGen C0406727, MONDO:0009794, OMIM 258860.

Allele frequency attached by ClinVar (database versions not stated): 1000 Genomes Project 0.00240; TOPMed 0.00448; gnomAD 0.00530 and 0.00543; gnomAD exomes 0.00530; ESP Exome Variant Server 0.00538; ExAC 0.00578.
gnomAD v4.1: 11,837 of 1,602,830 alleles (0.74%); highest among the groups gnomAD compares: Non-Finnish European, 0.87%; 63 homozygotes.

Submissions (10):

CeGaT Center for Human Genetics Tuebingen
Classification: Likely benign. Last evaluated: 2026-08-01. Review status: criteria provided, single submitter. Criteria: CeGaT Center For Human Genetics Tuebingen Variant Classification Criteria Version 2. Collection method: clinical testing. Allele origin: germline. Affected: yes. Observed: 26 variant alleles.
Comment: TCTN3: BP4, BP7, BS2

Labcorp Genetics (formerly Invitae), Labcorp
Classification: Benign for Joubert syndrome 18; Orofacial-digital syndrome IV. Last evaluated: 2026-02-04. Review status: criteria provided, single submitter. Criteria: Invitae Variant Classification Sherloc (09022015). Collection method: clinical testing. Allele origin: germline.

GeneDx
Classification: Benign. Last evaluated: 2016-07-05. Review status: criteria provided, single submitter. Criteria: GeneDx Variant Classification (06012015). Collection method: clinical testing. Allele origin: germline. Affected: yes.
Comment: This variant is considered likely benign or benign based on one or more of the following criteria: it is a conservative change, it occurs at a poorly conserved position in the protein, it is predicted to be benign by multiple in silico algorithms, and/or has population frequency not consistent with disease.

Genomic Diagnostic Laboratory, Division of Genomic Diagnostics, Children's Hospital of Philadelphia
Classification: Benign. Last evaluated: 2015-02-13. Review status: criteria provided, single submitter. Criteria: DGD Variant Analysis Guidelines. Collection method: clinical testing. Allele origin: unknown.

Eurofins Ntd Llc (ga)
Classification: Benign. Last evaluated: 2015-01-30. Review status: criteria provided, single submitter. Criteria: EGL Classification Definitions 2015. Collection method: clinical testing. Allele origin: germline. Observed: 1 variant allele, 1 heterozygote.

Breakthrough Genomics
Classification: Benign. Review status: criteria provided, single submitter. Criteria: ACMG Guidelines, 2015. Collection method: not provided. Allele origin: germline. Inheritance: Autosomal recessive inheritance. Affected: yes.

PreventionGenetics, part of Exact Sciences
Classification: Benign. Review status: criteria provided, single submitter. Criteria: ACMG Guidelines, 2015. Collection method: clinical testing. Allele origin: germline.

Clinical Genetics DNA and cytogenetics Diagnostics Lab, Erasmus MC, Erasmus Medical Center
Classification: Likely benign. Review status: no assertion criteria provided. Collection method: clinical testing. Allele origin: germline. Affected: yes. Study: VKGL Data-share Consensus. Not counted in ClinVar's aggregate classification.

Genetic Services Laboratory, University of Chicago
Classification: Likely benign for AllHighlyPenetrant. Review status: no assertion criteria provided. Collection method: clinical testing. Allele origin: germline. Inheritance: Autosomal recessive inheritance. Not counted in ClinVar's aggregate classification.
Comment: Likely benign based on allele frequency in 1000 Genomes Project or ESP global frequency and its presence in a patient with a rare or unrelated disease phenotype. NOT Sanger confirmed.

Laboratory of Diagnostic Genome Analysis, Leiden University Medical Center (LUMC)
Classification: Likely benign. Review status: no assertion criteria provided. Collection method: clinical testing. Allele origin: germline. Affected: yes. Study: VKGL Data-share Consensus. Not counted in ClinVar's aggregate classification.